The following is an entry in ClinVar:

NM_000135.4(FANCA):c.4001C>T (p.Ala1334Val)

Genes: FANCA (FA complementation group A; minus strand), ZNF276 (zinc finger protein 276; plus strand). Cytogenetic location: 16q24.3.
Variant type: single nucleotide variant.
Coding change: c.4001C>T on transcript NM_000135.4 (MANE Select); coding-DNA position 4001, C replaced by T.
Protein change: p.Ala1334Val; replaces alanine 1334 with valine.
Molecular consequence: missense variant. On other transcripts: 3 prime UTR variant (2), non-coding transcript variant (4).
Genome position (GRCh38, 1-based): chr16:89,739,487, G>A on the plus strand (C>T on the coding strand, the complement: FANCA is on the minus strand). VCF-style: chr16-89739487-G-A. GRCh37 (hg19) VCF-style: chr16-89805895-G-A.
Other names: c.4001C>T, p.Ala1334Val (NM_001286167.3); c.*1241G>A (NM_001113525.2, NM_152287.4); short protein forms A1334V.
Identifiers: ClinVar variation 4022354 (VCV004022354.1).

ClinVar aggregate classification (germline): Uncertain significance (1 of 4 stars; one submission).

Conditions:
Inborn genetic diseases. Identifiers: MedGen C0950123, MeSH D030342.

Submission:

Ambry Genetics
Classification: Uncertain significance for Inborn genetic diseases. Last evaluated: 2025-06-07. Review status: criteria provided, single submitter. Criteria: Ambry Variant Classification Scheme 2023. Collection method: clinical testing. Allele origin: germline.
Comment: The p.A1334V variant (also known as c.4001C>T), located in coding exon 40 of the FANCA gene, results from a C to T substitution at nucleotide position 4001. The alanine at codon 1334 is replaced by valine, an amino acid with similar properties. This amino acid position is conserved. In addition, the in silico prediction for this alteration is inconclusive. Based on the available evidence, the clinical significance of this variant remains unclear.